The following is an entry in ClinVar:

ClinVar aggregate classification (germline): Uncertain significance (1 of 4 stars; one submission).

Conditions:
Angelman syndrome-like. Identifiers: MedGen CN128785.
Developmental and epileptic encephalopathy, 2 (DEE2). Also called: INFANTILE SPASM SYNDROME, X-LINKED 2; CDKL5 deficiency disorder. Identifiers: Orphanet 1934, Orphanet 3451, Orphanet 505652, MedGen C4750718, MONDO:0010396, OMIM 300672.

Allele frequency attached by ClinVar (database versions not stated): gnomAD exomes below 0.00001 and 0.00001.
gnomAD v4.1: 1 of 1,207,076 alleles (0.000083%); highest among the groups gnomAD compares: Admixed American, 0.0022%; no homozygotes.

Submission:

Labcorp Genetics (formerly Invitae), Labcorp
Classification: Uncertain significance for Developmental and epileptic encephalopathy, 2; Angelman syndrome-like. Last evaluated: 2023-11-17. Review status: criteria provided, single submitter. Criteria: Invitae Variant Classification Sherloc (09022015). Collection method: clinical testing. Allele origin: germline.
Comment: This sequence change replaces serine, which is neutral and polar, with isoleucine, which is neutral and non-polar, at codon 815 of the CDKL5 protein (p.Ser815Ile). The frequency data for this variant in the population databases is considered unreliable, as metrics indicate poor data quality at this position in the gnomAD database. This variant has not been reported in the literature in individuals affected with CDKL5-related conditions. ClinVar contains an entry for this variant (Variation ID: 659279). Advanced modeling of protein sequence and biophysical properties (such as structural, functional, and spatial information, amino acid conservation, physicochemical variation, residue mobility, and thermodynamic stability) performed at Invitae indicates that this missense variant is not expected to disrupt CDKL5 protein function with a negative predictive value of 95%. In summary, the available evidence is currently insufficient to determine the role of this variant in disease. Therefore, it has been classified as a Variant of Uncertain Significance.

NM_001323289.2(CDKL5):c.2444G>T (p.Ser815Ile)

Gene: CDKL5 (cyclin dependent kinase like 5; plus strand). Cytogenetic location: Xp22.13.
Variant type: single nucleotide variant.
Coding change: c.2444G>T on transcript NM_001323289.2 (MANE Select); coding-DNA position 2444, G replaced by T.
Protein change: p.Ser815Ile; replaces serine 815 with isoleucine.
Molecular consequence: missense variant.
Genome position (GRCh38, 1-based): chrX:18,625,195, G>T. VCF-style: chrX-18625195-G-T. GRCh37 (hg19) VCF-style: chrX-18643315-G-T.
Other names: c.2444G>T, p.Ser815Ile (NM_001037343.2, NM_003159.3); short protein forms S815I.
Identifiers: ClinVar variation 659279 (VCV000659279.9), dbSNP rs1449425691, ClinGen allele CA412365554.